The following is an entry in ClinVar:

NM_025243.4(SLC19A3):c.1070C>A (p.Ala357Asp)

Gene: SLC19A3 (solute carrier family 19 member 3; minus strand). Cytogenetic location: 2q36.3.
Variant type: single nucleotide variant.
Coding change: c.1070C>A on transcript NM_025243.4 (MANE Select); coding-DNA position 1070, C replaced by A.
Protein change: p.Ala357Asp; replaces alanine 357 with aspartic acid.
Molecular consequence: missense variant.
Genome position (GRCh38, 1-based): chr2:227,695,991, G>T on the plus strand (C>A on the coding strand, the complement: SLC19A3 is on the minus strand). VCF-style: chr2-227695991-G-T. GRCh37 (hg19) VCF-style: chr2-228560707-G-T.
Other names: c.1070C>A, p.Ala357Asp (NM_001371411.1, NM_001371412.1); c.1058C>A, p.Ala353Asp (NM_001371413.1, NM_001371414.1); short protein forms A353D, A357D.
Identifiers: ClinVar variation 1008819 (VCV001008819.9), dbSNP rs778139709, ClinGen allele CA350875856.

ClinVar aggregate classification (germline): Uncertain significance (1 of 4 stars; one submission).

Conditions:
Biotin-responsive basal ganglia disease (BTBGD). Also called: Thiamine Transporter-2 Deficiency; THIAMINE METABOLISM DYSFUNCTION SYNDROME 2 (BIOTIN- AND THIAMINE-RESPONSIVE TYPE); Thiamine metabolism dysfunction syndrome type 2; Thiamine metabolism dysfunction syndrome 2 (biotin- or thiamine-responsive encephalopathy type 2); thiamine-responsive encephalopathy. Identifiers: Orphanet 199348, Orphanet 65284, MedGen C1843807, MONDO:0011841, OMIM 607483.

Allele frequency attached by ClinVar (database versions not stated): TOPMed 0.00001.

Submission:

Labcorp Genetics (formerly Invitae), Labcorp
Classification: Uncertain significance for Biotin-responsive basal ganglia disease. Last evaluated: 2020-09-09. Review status: criteria provided, single submitter. Criteria: Invitae Variant Classification Sherloc (09022015). Collection method: clinical testing. Allele origin: germline.
Comment: In summary, the available evidence is currently insufficient to determine the role of this variant in disease. Therefore, it has been classified as a Variant of Uncertain Significance. Advanced modeling of protein sequence and biophysical properties (such as structural, functional, and spatial information, amino acid conservation, physicochemical variation, residue mobility, and thermodynamic stability) performed at Invitae indicates that this missense variant is expected to disrupt SLC19A3 protein function. This variant has not been reported in the literature in individuals with SLC19A3-related conditions. This variant is not present in population databases (ExAC no frequency). This sequence change replaces alanine with aspartic acid at codon 357 of the SLC19A3 protein (p.Ala357Asp). The alanine residue is highly conserved and there is a moderate physicochemical difference between alanine and aspartic acid.